The following is an entry in ClinVar:

ClinVar aggregate classification (germline): Benign/Likely benign. Review status: criteria provided, multiple submitters, no conflicts (2 of 4 stars). 7 submissions from 7 submitters: Benign (5); Likely benign (2). Last evaluated 2026-01-20.

Conditions:
Thrombocythemia 1 (THCYT1). Also called: THROMBOCYTOSIS 1; THROMBOCYTHEMIA, SOMATIC. Identifiers: MedGen C3277671, MONDO:0008554, OMIM 187950.

Allele frequency attached by ClinVar (database versions not stated): gnomAD exomes 0.00167; ExAC 0.00221; gnomAD 0.00661 and 0.00685; TOPMed 0.00697; ESP Exome Variant Server 0.00777; 1000 Genomes Project 0.00978; 1000 Genomes Project 30x 0.00984.
gnomAD v4.1: 2,059 of 1,613,244 alleles (0.13%); highest among the groups gnomAD compares: African/African-American, 2.3%; 25 homozygotes.

Submissions (7):

Labcorp Genetics (formerly Invitae), Labcorp
Classification: Benign. Last evaluated: 2026-01-20. Review status: criteria provided, single submitter. Criteria: Invitae Variant Classification Sherloc (09022015). Collection method: clinical testing. Allele origin: germline.

GeneDx
Classification: Likely benign. Last evaluated: 2025-02-19. Review status: criteria provided, single submitter. Criteria: GeneDx Variant Classification Process June 2021. Collection method: clinical testing. Allele origin: germline. Affected: yes.
Comment: See Variant Classification Assertion Criteria.

Mayo Clinic Laboratories, Mayo Clinic
Classification: Likely benign. Last evaluated: 2023-10-25. Review status: criteria provided, single submitter. Criteria: ACMG Guidelines, 2015. Collection method: clinical testing. Allele origin: germline. Observed: 5 variant alleles.
Comment: BS1, BS2_moderate, BP4, PM1

Illumina Laboratory Services, Illumina
Classification: Benign for Thrombocythemia 1. Last evaluated: 2018-01-12. Review status: criteria provided, single submitter. Criteria: ICSL Variant Classification Criteria 13 December 2019. Collection method: clinical testing. Allele origin: germline.
Comment: This variant was observed in the ICSL laboratory as part of a predisposition screen in an ostensibly healthy population. It had not been previously curated by ICSL or reported in the Human Gene Mutation Database (HGMD: prior to June 1st, 2018), and was therefore a candidate for classification through an automated scoring system. Utilizing variant allele frequency, disease prevalence and penetrance estimates, and inheritance mode, an automated score was calculated to assess if this variant is too frequent to cause the disease. Based on the score and internal cut-off values, a variant classified as benign is not then subjected to further curation. The score for this variant resulted in a classification of benign for this disease.

Eurofins Ntd Llc (ga)
Classification: Benign. Last evaluated: 2016-06-01. Review status: criteria provided, single submitter. Criteria: EGL Classification Definitions 2015. Collection method: clinical testing. Allele origin: germline. Observed: 1 variant allele, 1 heterozygote.

Breakthrough Genomics
Classification: Benign. Review status: criteria provided, single submitter. Criteria: ACMG Guidelines, 2015. Collection method: not provided. Allele origin: germline. Inheritance: Autosomal dominant inheritance. Affected: yes.

PreventionGenetics, part of Exact Sciences
Classification: Benign. Review status: criteria provided, single submitter. Criteria: ACMG Guidelines, 2015. Collection method: clinical testing. Allele origin: germline.

NM_000460.4(THPO):c.1030A>G (p.Thr344Ala)

Gene: THPO (thrombopoietin; minus strand). Cytogenetic location: 3q27.1.
Variant type: single nucleotide variant.
Coding change: c.1030A>G on transcript NM_000460.4 (MANE Select); coding-DNA position 1030, A replaced by G.
Protein change: p.Thr344Ala; replaces threonine 344 with alanine.
Molecular consequence: missense variant. On other transcripts: 3 prime UTR variant (4).
Genome position (GRCh38, 1-based): chr3:184,372,545, T>C on the plus strand (A>G on the coding strand, the complement: THPO is on the minus strand). VCF-style: chr3-184372545-T-C. GRCh37 (hg19) VCF-style: chr3-184090333-T-C.
Other names: p.Thr344Ala; c.1018A>G, p.Thr340Ala (NM_001177597.2, NM_001290022.1); c.*53A>G (NM_001177598.2, NM_001289997.1, NM_001290026.1 and 1 more transcripts); c.1030A>G, p.Thr344Ala (NM_001289998.1, NM_001290028.1, LRG_580t1); c.1450A>G, p.Thr484Ala (NM_001290003.1); short protein forms T344A, T340A, T484A.
Identifiers: ClinVar variation 256211 (VCV000256211.24), dbSNP rs35794435, ClinGen allele CA2734813.